The following is an entry in ClinVar:

NM_001621.5(AHR):c.35G>A (p.Ser12Asn)

Genes: AHR (aryl hydrocarbon receptor; plus strand), LOC129998012 (ATAC-STARR-seq lymphoblastoid silent region 17985; plus strand). Cytogenetic location: 7p21.1.
Variant type: single nucleotide variant.
Coding change: c.35G>A on transcript NM_001621.5 (MANE Select); coding-DNA position 35, G replaced by A.
Protein change: p.Ser12Asn; replaces serine 12 with asparagine.
Molecular consequence: missense variant.
Genome position (GRCh38, 1-based): chr7:17,299,299, G>A. VCF-style: chr7-17299299-G-A. GRCh37 (hg19) VCF-style: chr7-17338923-G-A.
Other names: short protein forms S12N.
Identifiers: ClinVar variation 1371787 (VCV001371787.5), dbSNP rs201368737, ClinGen allele CA4171691.

ClinVar aggregate classification (germline): Uncertain significance (1 of 4 stars; one submission).

Allele frequency attached by ClinVar (database versions not stated): gnomAD exomes below 0.00001 and 0.00002; ExAC 0.00001; gnomAD 0.00001; TOPMed 0.00002; ESP Exome Variant Server 0.00008.

Submission:

Labcorp Genetics (formerly Invitae), Labcorp
Classification: Uncertain significance. Last evaluated: 2021-08-26. Review status: criteria provided, single submitter. Criteria: Invitae Variant Classification Sherloc (09022015). Collection method: clinical testing. Allele origin: germline.
Comment: This sequence change replaces serine with asparagine at codon 12 of the AHR protein (p.Ser12Asn). The serine residue is moderately conserved and there is a small physicochemical difference between serine and asparagine. This variant is present in population databases (rs201368737, ExAC 0.002%). This variant has not been reported in the literature in individuals affected with AHR-related conditions. Algorithms developed to predict the effect of missense changes on protein structure and function are either unavailable or do not agree on the potential impact of this missense change (SIFT: "Deleterious"; PolyPhen-2: "Possibly Damaging"; Align-GVGD: "Class C0"). In summary, the available evidence is currently insufficient to determine the role of this variant in disease. Therefore, it has been classified as a Variant of Uncertain Significance.